The following is an entry in ClinVar:

NM_004960.4(FUS):c.684C>T (p.Gly228=)

Gene: FUS (FUS DNA/RNA binding protein; plus strand). Cytogenetic location: 16p11.2.
Variant type: single nucleotide variant.
Coding change: c.684C>T on transcript NM_004960.4 (MANE Select); coding-DNA position 684, C replaced by T.
Protein change: p.Gly228=; no amino-acid change (glycine 228 retained).
Molecular consequence: synonymous variant. On other transcripts: non-coding transcript variant (1).
Genome position (GRCh38, 1-based): chr16:31,185,099, C>T. VCF-style: chr16-31185099-C-T. GRCh37 (hg19) VCF-style: chr16-31196420-C-T.
Other names: p.Gly228=; c.681C>T, p.Gly227= (NM_001170634.1); c.672C>T, p.Gly224= (NM_001170937.1).
Identifiers: ClinVar variation 704135 (VCV000704135.37), dbSNP rs151073460, ClinGen allele CA8023759.

ClinVar aggregate classification (germline): Benign/Likely benign. Review status: criteria provided, multiple submitters, no conflicts (2 of 4 stars). 6 submissions from 6 submitters: Benign (3); Likely benign (2). 1 of the submissions does not count toward it. Last evaluated 2026-09-01.

Conditions:
FUS-related disorder. Also called: FUS-related condition.
Inborn genetic diseases. Identifiers: MedGen C0950123, MeSH D030342.
Tremor, hereditary essential, 4 (ETM4). Identifiers: MedGen C3539195, MONDO:0013888, OMIM 614782.
Amyotrophic lateral sclerosis type 6. Also called: AMYOTROPHIC LATERAL SCLEROSIS 6 WITHOUT FRONTOTEMPORAL DEMENTIA; FUS-Related Amyotrophic Laterial Sclerosis; Amyotrophic lateral sclerosis 6, with or without frontotemporal dementia. Identifiers: Orphanet 275872, Orphanet 803, MedGen C2931786, MONDO:0011951, OMIM 608030.

Allele frequency attached by ClinVar (database versions not stated): gnomAD 0.00034 and 0.00047; gnomAD exomes 0.00039 and 0.00068; TOPMed 0.00040; ExAC 0.00085; 1000 Genomes Project 0.00180.
gnomAD v4.1: 636 of 1,601,782 alleles (0.04%); highest among the groups gnomAD compares: East Asian, 0.71%; 2 homozygotes.

Submissions (6):

CeGaT Center for Human Genetics Tuebingen
Classification: Likely benign. Last evaluated: 2026-09-01. Review status: criteria provided, single submitter. Criteria: CeGaT Center For Human Genetics Tuebingen Variant Classification Criteria Version 2. Collection method: clinical testing. Allele origin: germline. Affected: yes. Observed: 8 variant alleles.
Comment: FUS: BP4, BP7

Labcorp Genetics (formerly Invitae), Labcorp
Classification: Benign for Tremor, hereditary essential, 4; Amyotrophic lateral sclerosis type 6. Last evaluated: 2026-02-01. Review status: criteria provided, single submitter. Criteria: Invitae Variant Classification Sherloc (09022015). Collection method: clinical testing. Allele origin: germline.

Athena Diagnostics
Classification: Benign. Last evaluated: 2025-03-12. Review status: criteria provided, single submitter. Criteria: Athena Diagnostics Criteria. Collection method: clinical testing. Allele origin: unknown.
Comment: The frequency of this variant in the general population is higher than would generally be expected for pathogenic variants in this gene.

Mayo Clinic Laboratories, Mayo Clinic
Classification: Benign. Last evaluated: 2023-06-12. Review status: criteria provided, single submitter. Criteria: ACMG Guidelines, 2015. Collection method: clinical testing. Allele origin: germline. Observed: 3 variant alleles.
Comment: BS1, BS2, BP4, BP7

Ambry Genetics
Classification: Likely benign for Inborn genetic diseases. Last evaluated: 2022-10-02. Review status: criteria provided, single submitter. Criteria: Ambry Variant Classification Scheme 2023. Collection method: clinical testing. Allele origin: germline.

PreventionGenetics, part of Exact Sciences
Classification: Benign for FUS-related condition. Last evaluated: 2019-12-11. Review status: no assertion criteria provided. Collection method: clinical testing. Allele origin: germline. Not counted in ClinVar's aggregate classification.
Comment: This variant is classified as benign based on ACMG/AMP sequence variant interpretation guidelines (Richards et al. 2015 PMID: 25741868, with internal and published modifications).

Literature cited by the submitters: PubMed 38540370 (cited by Athena Diagnostics); PubMed 22340366 (cited by Athena Diagnostics); PubMed 26176978 (cited by Athena Diagnostics); PubMed 21261515 (cited by Athena Diagnostics); PubMed 24080306 (cited by Athena Diagnostics).